The following is an entry in ClinVar:

NM_016507.4(CDK12):c.4226C>T (p.Pro1409Leu)

Gene: CDK12 (cyclin dependent kinase 12; plus strand). Cytogenetic location: 17q12.
Variant type: single nucleotide variant.
Coding change: c.4226C>T on transcript NM_016507.4 (MANE Select); coding-DNA position 4226, C replaced by T.
Protein change: p.Pro1409Leu; replaces proline 1409 with leucine.
Molecular consequence: missense variant.
Genome position (GRCh38, 1-based): chr17:39,531,069, C>T. VCF-style: chr17-39531069-C-T. GRCh37 (hg19) VCF-style: chr17-37687322-C-T.
Other names: c.4199C>T, p.Pro1400Leu (NM_015083.4); short protein forms P1400L, P1409L.
Identifiers: ClinVar variation 3999499 (VCV003999499.1).

ClinVar aggregate classification (germline): Uncertain significance (1 of 4 stars; one submission).

Submission:

Ambry Genetics
Classification: Uncertain significance. Last evaluated: 2025-05-25. Review status: criteria provided, single submitter. Criteria: Ambry Variant Classification Scheme 2023. Collection method: clinical testing. Allele origin: germline.
Comment: The p.P1409L variant (also known as c.4226C>T), located in coding exon 14 of the CDK12 gene, results from a C to T substitution at nucleotide position 4226. The proline at codon 1409 is replaced by leucine, an amino acid with similar properties. This amino acid position is conserved. In addition, the in silico prediction for this alteration is inconclusive. Based on the available evidence, the clinical significance of this variant remains unclear.